The following is an entry in ClinVar:

NM_004304.5(ALK):c.1814A>C (p.Asp605Ala)

Gene: ALK (ALK receptor tyrosine kinase; minus strand). Cytogenetic location: 2p23.2.
Variant type: single nucleotide variant.
Coding change: c.1814A>C on transcript NM_004304.5 (MANE Select); coding-DNA position 1814, A replaced by C.
Protein change: p.Asp605Ala; replaces aspartic acid 605 with alanine.
Molecular consequence: missense variant.
Genome position (GRCh38, 1-based): chr2:29,296,891, T>G on the plus strand (A>C on the coding strand, the complement: ALK is on the minus strand). VCF-style: chr2-29296891-T-G. GRCh37 (hg19) VCF-style: chr2-29519757-T-G.
Other names: short protein forms D605A.
Identifiers: ClinVar variation 3223803 (VCV003223803.1), dbSNP rs2465371535, ClinGen allele CA346465781.

ClinVar aggregate classification (germline): Uncertain significance (1 of 4 stars; one submission).

Conditions:
Hereditary cancer-predisposing syndrome. Also called: Tumor predisposition; Hereditary neoplastic syndrome; Hereditary Cancer Syndrome; Neoplastic Syndromes, Hereditary. Identifiers: Orphanet 140162, MedGen C0027672, MeSH D009386, MONDO:0015356.

Submission:

Ambry Genetics
Classification: Uncertain significance for Hereditary cancer-predisposing syndrome. Last evaluated: 2024-01-05. Review status: criteria provided, single submitter. Criteria: Ambry Variant Classification Scheme 2023. Collection method: clinical testing. Allele origin: germline.
Comment: The p.D605A variant (also known as c.1814A>C), located in coding exon 9 of the ALK gene, results from an A to C substitution at nucleotide position 1814. The aspartic acid at codon 605 is replaced by alanine, an amino acid with dissimilar properties. This amino acid position is conserved. In addition, this alteration is predicted to be tolerated by in silico analysis. Since supporting evidence is limited at this time, the clinical significance of this alteration remains unclear.